The following is an entry in ClinVar:

NM_013352.4(DSE):c.1819A>T (p.Ile607Phe)

Gene: DSE (dermatan sulfate epimerase; plus strand). Cytogenetic location: 6q22.1.
Variant type: single nucleotide variant.
Coding change: c.1819A>T on transcript NM_013352.4 (MANE Select); coding-DNA position 1819, A replaced by T.
Protein change: p.Ile607Phe; replaces isoleucine 607 with phenylalanine.
Molecular consequence: missense variant. On other transcripts: 3 prime UTR variant (2), non-coding transcript variant (1).
Genome position (GRCh38, 1-based): chr6:116,436,287, A>T. VCF-style: chr6-116436287-A-T. GRCh37 (hg19) VCF-style: chr6-116757450-A-T.
Other names: p.Ile607Phe; c.1819A>T, p.Ile607Phe (NM_001080976.3, NM_001322937.2, NM_001322938.2); c.1876A>T, p.Ile626Phe (NM_001322939.2); c.1258A>T, p.Ile420Phe (NM_001322940.2, NM_001322941.2); c.*684A>T (NM_001322943.2, NM_001322944.2); c.820A>T, p.Ile274Phe (NM_001374520.1); c.784A>T, p.Ile262Phe (NM_001374521.1); short protein forms I262F, I274F, I420F, I607F, I626F.
Identifiers: ClinVar variation 3383826 (VCV003383826.6).
Genomic context (GRCh38, chr6:116,436,287, plus strand): 5'-TTCCATAATGTGGATGTTCCTTTTGAGGAGACTGTGGTAGATGGTGTCCATGGGGCTTTC[A>T]TCAGGCAGAGAGATGGTCTCTATAAAATGTACTGGATGGACGATACTGGCTACAGCGAGA-3'
Protein context (NP_037484.1, residues 597-617): TVVDGVHGAF[Ile607Phe]RQRDGLYKMY

ClinVar aggregate classification (germline): Uncertain significance. Review status: criteria provided, multiple submitters, no conflicts (2 of 4 stars). 5 submissions from 5 submitters: Uncertain significance (5). Last evaluated 2026-04-17.

Conditions:
Inborn genetic diseases. Identifiers: MedGen C0950123, MeSH D030342.
Ehlers-Danlos syndrome, musculocontractural type 2 (EDSMC2). Identifiers: Orphanet 2953, MedGen C3809845, MONDO:0014236, OMIM 615539.

Submissions (5):

Women's Health and Genetics/Laboratory Corporation of America, LabCorp
Classification: Uncertain significance. Last evaluated: 2026-04-17. Review status: criteria provided, single submitter. Criteria: LabCorp Variant Classification Summary - May 2015. Collection method: clinical testing. Allele origin: germline.
Comment: Variant summary: DSE c.1819A>T (p.Ile607Phe) results in a non-conservative amino acid change in the encoded protein sequence. Algorithms developed to predict the effect of missense changes on protein structure and function are either unavailable or do not agree on the potential impact of this missense change. The variant allele was found at a frequency of 1.2e-05 in 251368 control chromosomes. The available data on variant occurrences in the general population are insufficient to allow any conclusion about variant significance. To our knowledge, no occurrence of c.1819A>T in individuals affected with DSE-related conditions and no experimental evidence demonstrating its impact on protein function have been reported. ClinVar contains an entry for this variant (Variation ID: 3383826). Based on the evidence outlined above, the variant was classified as uncertain significance.

GeneDx
Classification: Uncertain significance. Last evaluated: 2025-12-30. Review status: criteria provided, single submitter. Criteria: GeneDx Variant Classification Process June 2021. Collection method: clinical testing. Allele origin: germline. Affected: yes.
Comment: Not observed at significant frequency in large population cohorts (gnomAD); In silico analysis suggests that this missense variant does not alter protein structure/function; Has not been previously published as pathogenic or benign to our knowledge

Labcorp Genetics (formerly Invitae), Labcorp
Classification: Uncertain significance for Ehlers-Danlos syndrome, musculocontractural type 2. Last evaluated: 2025-11-22. Review status: criteria provided, single submitter. Criteria: Invitae Variant Classification Sherloc (09022015). Collection method: clinical testing. Allele origin: germline.
Comment: This sequence change replaces isoleucine, which is neutral and non-polar, with phenylalanine, which is neutral and non-polar, at codon 607 of the DSE protein (p.Ile607Phe). This variant is present in population databases (rs748704369, gnomAD 0.003%). This variant has not been reported in the literature in individuals affected with DSE-related conditions. ClinVar contains an entry for this variant (Variation ID: 3383826). Invitae Evidence Modeling of protein sequence and biophysical properties (such as structural, functional, and spatial information, amino acid conservation, physicochemical variation, residue mobility, and thermodynamic stability) indicates that this missense variant is not expected to disrupt DSE protein function with a negative predictive value of 80%. In summary, the available evidence is currently insufficient to determine the role of this variant in disease. Therefore, it has been classified as a Variant of Uncertain Significance.

Ambry Genetics
Classification: Uncertain significance for Inborn genetic diseases. Last evaluated: 2025-07-15. Review status: criteria provided, single submitter. Criteria: Ambry Variant Classification Scheme 2023. Collection method: clinical testing. Allele origin: germline.

Mayo Clinic Laboratories, Mayo Clinic
Classification: Uncertain significance. Last evaluated: 2025-07-02. Review status: criteria provided, single submitter. Criteria: ACMG Guidelines, 2015. Collection method: clinical testing. Allele origin: germline. Observed: 1 variant allele.
Comment: BP4_moderate, PM2_supporting